The following is an entry in ClinVar:

ClinVar aggregate classification (germline): Likely benign (1 of 4 stars; one submission).

Allele frequency attached by ClinVar (database versions not stated): gnomAD exomes below 0.00001.
gnomAD v4.1: 2 of 1,438,096 alleles (0.00014%); highest among the groups gnomAD compares: Non-Finnish European, 0.00018%; no homozygotes.

Submission:

CeGaT Center for Human Genetics Tuebingen
Classification: Likely benign. Last evaluated: 2023-10-01. Review status: criteria provided, single submitter. Criteria: CeGaT Center For Human Genetics Tuebingen Variant Classification Criteria Version 2. Collection method: clinical testing. Allele origin: germline. Affected: yes. Observed: 1 variant allele.
Comment: DALRD3: PM2:Supporting, BP4, BP7

NM_001009996.3(DALRD3):c.249G>A (p.Ala83=)

Gene: DALRD3 (DALR anticodon binding domain containing 3; minus strand). Cytogenetic location: 3p21.31.
Variant type: single nucleotide variant.
Coding change: c.249G>A on transcript NM_001009996.3 (MANE Select); coding-DNA position 249, G replaced by A.
Protein change: p.Ala83=; no amino-acid change (alanine 83 retained).
Molecular consequence: synonymous variant. On other transcripts: 5 prime UTR variant (1).
Genome position (GRCh38, 1-based): chr3:49,018,235, C>T on the plus strand (G>A on the coding strand, the complement: DALRD3 is on the minus strand). VCF-style: chr3-49018235-C-T. GRCh37 (hg19) VCF-style: chr3-49055668-C-T.
Other names: c.249G>A, p.Ala83= (NM_001276405.2); c.-253G>A (NM_018114.6).
Identifiers: ClinVar variation 2653815 (VCV002653815.24), dbSNP rs2471601640, ClinGen allele CA433628939.
Genomic context (GRCh38, chr3:49,018,235, plus strand): 5'-GGCCACGGCGCTGAGGACGCGCTCGAAGACGGCGGACCGCTGCAGTTGGAGAGACAGACC[C>T]GCGGGGGTCGGCGCGCAGCGCAGCACCGGGGCCACACCGGGGCCCTGCAGGCAGGCGAGG-3'
Protein context (NP_001009996.1, residues 73-93): APVLRCAPTP[Ala83=]GLSLQLQRSA